The following is an entry in ClinVar:

ClinVar aggregate classification (germline): Uncertain significance (1 of 4 stars; one submission).

Submission:

Labcorp Genetics (formerly Invitae), Labcorp
Classification: Uncertain significance. Last evaluated: 2025-04-17. Review status: criteria provided, single submitter. Criteria: Invitae Variant Classification Sherloc (09022015). Collection method: clinical testing. Allele origin: germline.
Comment: This sequence change replaces serine, which is neutral and polar, with cysteine, which is neutral and slightly polar, at codon 1256 of the CACNA1E protein (p.Ser1256Cys). This variant is not present in population databases (gnomAD no frequency). This variant has not been reported in the literature in individuals affected with CACNA1E-related conditions. Invitae Evidence Modeling of protein sequence and biophysical properties (such as structural, functional, and spatial information, amino acid conservation, physicochemical variation, residue mobility, and thermodynamic stability) has been performed for this missense variant. However, the output from this modeling did not meet the statistical confidence thresholds required to predict the impact of this variant on CACNA1E protein function. In summary, the available evidence is currently insufficient to determine the role of this variant in disease. Therefore, it has been classified as a Variant of Uncertain Significance.

NM_001205293.3(CACNA1E):c.3767C>G (p.Ser1256Cys)

Gene: CACNA1E (calcium voltage-gated channel subunit alpha1 E; plus strand). Cytogenetic location: 1q25.3.
Variant type: single nucleotide variant.
Coding change: c.3767C>G on transcript NM_001205293.3 (MANE Select); coding-DNA position 3767, C replaced by G.
Protein change: p.Ser1256Cys; replaces serine 1256 with cysteine.
Molecular consequence: missense variant.
Genome position (GRCh38, 1-based): chr1:181,752,178, C>G. VCF-style: chr1-181752178-C-G. GRCh37 (hg19) VCF-style: chr1-181721314-C-G.
Other names: c.3767C>G, p.Ser1256Cys (NM_000721.4); c.3710C>G, p.Ser1237Cys (NM_001205294.2); short protein forms S1237C, S1256C.
Identifiers: ClinVar variation 4798785 (VCV004798785.1).
Genomic context (GRCh38, chr1:181,752,178, plus strand): 5'-TTCCCTGGGGGCCTCTCCCCTGCAGAACCAACAAAGGACGGGACATCAAGACCATCAAGT[C>G]TCTGCGGGTGCTCCGAGTTCTAAGGCCACTGAAAACCATCAAGCGCTTGCCCAAGCTCAA-3'
Protein context (NP_001192222.1, residues 1246-1266): NKGRDIKTIK[Ser1256Cys]LRVLRVLRPL